The following is an entry in ClinVar:

ClinVar aggregate classification (germline): Uncertain significance (1 of 4 stars; one submission).

Submission:

CeGaT Center for Human Genetics Tuebingen
Classification: Uncertain significance. Last evaluated: 2022-11-01. Review status: criteria provided, single submitter. Criteria: CeGaT Center For Human Genetics Tuebingen Variant Classification Criteria Version 2. Collection method: clinical testing. Allele origin: germline. Affected: yes. Observed: 1 variant allele.
Comment: TFG: PM2

NM_006070.6(TFG):c.562A>G (p.Thr188Ala)

Gene: TFG (trafficking from ER to golgi regulator; plus strand). Cytogenetic location: 3q12.2.
Variant type: single nucleotide variant.
Coding change: c.562A>G on transcript NM_006070.6 (MANE Select); coding-DNA position 562, A replaced by G.
Protein change: p.Thr188Ala; replaces threonine 188 with alanine.
Molecular consequence: missense variant.
Genome position (GRCh38, 1-based): chr3:100,732,654, A>G. VCF-style: chr3-100732654-A-G. GRCh37 (hg19) VCF-style: chr3-100451498-A-G.
Other names: c.562A>G, p.Thr188Ala (NM_001007565.2, NM_001195478.2, NM_001195479.2); short protein forms T188A.
Identifiers: ClinVar variation 2654004 (VCV002654004.24), dbSNP rs2472108455, ClinGen allele CA353845607.